The following is an entry in ClinVar:

NM_005359.6(SMAD4):c.981T>C (p.Ala327=)

Gene: SMAD4 (SMAD family member 4; plus strand). Cytogenetic location: 18q21.2.
Variant type: single nucleotide variant.
Coding change: c.981T>C on transcript NM_005359.6 (MANE Select); coding-DNA position 981, T replaced by C.
Protein change: p.Ala327=; no amino-acid change (alanine 327 retained).
Molecular consequence: synonymous variant.
Genome position (GRCh38, 1-based): chr18:51,065,448, T>C. VCF-style: chr18-51065448-T-C. GRCh37 (hg19) VCF-style: chr18-48591818-T-C.
Other names: c.981T>C (NM_005359.5).
Identifiers: ClinVar variation 1652037 (VCV001652037.10), dbSNP rs2144446477, ClinGen allele CA503874095.

ClinVar aggregate classification (germline): Benign/Likely benign. Review status: criteria provided, multiple submitters, no conflicts (2 of 4 stars). 3 submissions from 3 submitters: Benign (1); Likely benign (2). Last evaluated 2025-03-20.

Conditions:
Juvenile polyposis syndrome (JPS). Identifiers: Orphanet 2929, MedGen C0345893, MONDO:0017380, OMIM 174900.
Familial thoracic aortic aneurysm and aortic dissection (TAAD). Also called: Thoracic aortic aneurysms and dissections. Identifiers: Orphanet 91387, MedGen C4707243, MONDO:0019625.
Hereditary cancer-predisposing syndrome. Also called: Neoplastic Syndromes, Hereditary; Tumor predisposition; Hereditary Cancer Syndrome; Hereditary neoplastic syndrome. Identifiers: Orphanet 140162, MedGen C0027672, MeSH D009386, MONDO:0015356.
Juvenile polyposis/hereditary hemorrhagic telangiectasia syndrome (JPHT). Also called: Juvenile Polyposis Syndrome / Hereditary Hemorrhagic Telangiectasia (JPS/HHT); JP/HHT SYNDROME; JUVENILE POLYPOSIS WITH HEREDITARY HEMORRHAGIC TELANGIECTASIA; POLYPOSIS, GENERALIZED JUVENILE, WITH PULMONARY ARTERIOVENOUS MALFORMATION; TELANGIECTASIA, HEREDITARY HEMORRHAGIC, WITH JUVENILE POLYPOSIS COLI. Identifiers: Orphanet 2929, MedGen C1832942, MONDO:0008278, OMIM 175050.

Submissions (3):

Myriad Genetics, Inc.
Classification: Benign for Juvenile polyposis/hereditary hemorrhagic telangiectasia syndrome. Last evaluated: 2025-03-20. Review status: criteria provided, single submitter. Criteria: Myriad Autosomal Dominant, Autosomal Recessive and X-Linked Classification Criteria (2023). Collection method: clinical testing. Allele origin: unknown.
Comment: This variant is considered benign. This variant is a silent/synonymous amino acid change and it is not expected to impact splicing.

Ambry Genetics
Classification: Likely benign for Hereditary cancer-predisposing syndrome; Familial thoracic aortic aneurysm and aortic dissection. Last evaluated: 2024-01-05. Review status: criteria provided, single submitter. Criteria: Ambry Variant Classification Scheme 2023. Collection method: clinical testing. Allele origin: germline.

Labcorp Genetics (formerly Invitae), Labcorp
Classification: Likely benign for Juvenile polyposis syndrome. Last evaluated: 2020-11-15. Review status: criteria provided, single submitter. Criteria: Invitae Variant Classification Sherloc (09022015). Collection method: clinical testing. Allele origin: germline.